The following is an entry in ClinVar:

ClinVar aggregate classification (germline): Uncertain significance (1 of 4 stars; one submission).

Conditions:
Hereditary cancer-predisposing syndrome. Also called: Neoplastic Syndromes, Hereditary; Tumor predisposition; Hereditary Cancer Syndrome; Hereditary neoplastic syndrome. Identifiers: Orphanet 140162, MedGen C0027672, MeSH D009386, MONDO:0015356.

Submission:

Ambry Genetics
Classification: Uncertain significance for Hereditary cancer-predisposing syndrome. Last evaluated: 2021-03-19. Review status: criteria provided, single submitter. Criteria: Ambry Variant Classification Scheme 2023. Collection method: clinical testing. Allele origin: germline.
Comment: The p.M1? variant (also known as c.2T>C) is located in coding exon 1 of the RAD51C gene and results from aT to C substitution at nucleotide position 2. This alters the methionine residue at the initiation codon (ATG). This amino acid position is poorly conserved in available vertebrate species. Variations that modify the initiation codon (ATG) are expected to result in either loss of translation initiation, N-terminal truncation, or cause a shift in the mRNA reading frame; however, there is an in-frame methionine 9 amino acids from the initiation site, which may result in N-terminal truncation of unknown functional significance.

NM_058216.3(RAD51C):c.2T>C (p.Met1Thr)

Gene: RAD51C (RAD51 paralog C; plus strand). Cytogenetic location: 17q22.
Variant type: single nucleotide variant.
Coding change: c.2T>C on transcript NM_058216.3 (MANE Select); coding-DNA position 2, T replaced by C.
Protein change: p.Met1Thr; changes the start codon (methionine 1).
Molecular consequence: missense variant, initiator codon variant. On other transcripts: non-coding transcript variant (2).
Genome position (GRCh38, 1-based): chr17:58,692,645, T>C. VCF-style: chr17-58692645-T-C. GRCh37 (hg19) VCF-style: chr17-56770006-T-C.
Other names: c.2T>C, p.Met1Thr (NM_002876.4, NM_058217.1); short protein forms M1T.
Identifiers: ClinVar variation 1798672 (VCV001798672.3), dbSNP rs2143671249, ClinGen allele CA400336049.